The following is an entry in ClinVar:

NM_015331.3(NCSTN):c.367G>A (p.Val123Met)

Gene: NCSTN (nicastrin; plus strand). Cytogenetic location: 1q23.2.
Variant type: single nucleotide variant.
Coding change: c.367G>A on transcript NM_015331.3 (MANE Select); coding-DNA position 367, G replaced by A.
Protein change: p.Val123Met; replaces valine 123 with methionine.
Molecular consequence: missense variant.
Genome position (GRCh38, 1-based): chr1:160,349,601, G>A. VCF-style: chr1-160349601-G-A. GRCh37 (hg19) VCF-style: chr1-160319391-G-A.
Other names: c.307G>A, p.Val103Met (NM_001290184.2); c.367G>A, p.Val123Met (NM_001290186.2, NM_001349729.2); c.367G>A (NM_015331.2); short protein forms V123M, V103M.
Identifiers: ClinVar variation 1415510 (VCV001415510.7), dbSNP rs1038043481, ClinGen allele CA31534522.

ClinVar aggregate classification (germline): Uncertain significance. Review status: criteria provided, multiple submitters, no conflicts (2 of 4 stars). 2 submissions from 2 submitters: Uncertain significance (2). Last evaluated 2025-12-08.

Conditions:
Inborn genetic diseases. Identifiers: MedGen C0950123, MeSH D030342.

Allele frequency attached by ClinVar (database versions not stated): gnomAD exomes 0.00001 and 0.00002; TOPMed 0.00002; gnomAD 0.00001.

Submissions (2):

Labcorp Genetics (formerly Invitae), Labcorp
Classification: Uncertain significance. Last evaluated: 2025-12-08. Review status: criteria provided, single submitter. Criteria: Invitae Variant Classification Sherloc (09022015). Collection method: clinical testing. Allele origin: germline.
Comment: This sequence change replaces valine, which is neutral and non-polar, with methionine, which is neutral and non-polar, at codon 123 of the NCSTN protein (p.Val123Met). This variant is present in population databases (no rsID available, gnomAD 0.02%). This variant has not been reported in the literature in individuals affected with NCSTN-related conditions. ClinVar contains an entry for this variant (Variation ID: 1415510). Invitae Evidence Modeling of protein sequence and biophysical properties (such as structural, functional, and spatial information, amino acid conservation, physicochemical variation, residue mobility, and thermodynamic stability) indicates that this missense variant is expected to disrupt NCSTN protein function with a positive predictive value of 80%. In summary, the available evidence is currently insufficient to determine the role of this variant in disease. Therefore, it has been classified as a Variant of Uncertain Significance.

Ambry Genetics
Classification: Uncertain significance for Inborn genetic diseases. Last evaluated: 2022-11-08. Review status: criteria provided, single submitter. Criteria: Ambry Variant Classification Scheme 2023. Collection method: clinical testing. Allele origin: germline.